The following is an entry in ClinVar:

ClinVar aggregate classification (germline): Benign/Likely benign. Review status: criteria provided, multiple submitters, no conflicts (2 of 4 stars). 5 submissions from 5 submitters: Benign (1); Likely benign (4). Last evaluated 2026-01-09.

Conditions:
Retinitis pigmentosa 2 (RP2). Also called: Retinitis pigmentosa 2, X linked. Identifiers: Orphanet 791, MedGen C2681923, MONDO:0010723, OMIM 312600.

Allele frequency attached by ClinVar (database versions not stated): gnomAD exomes 0.00016 and 0.00035; gnomAD 0.00020 and 0.00021; TOPMed 0.00020; ESP Exome Variant Server 0.00028; ExAC 0.00033.
gnomAD v4.1: 213 of 1,198,141 alleles (0.018%); highest among the groups gnomAD compares: Middle Eastern, 0.023%; no homozygotes.

Submissions (5):

Labcorp Genetics (formerly Invitae), Labcorp
Classification: Benign. Last evaluated: 2026-01-09. Review status: criteria provided, single submitter. Criteria: Invitae Variant Classification Sherloc (09022015). Collection method: clinical testing. Allele origin: germline.

Blueprint Genetics
Classification: Likely benign. Last evaluated: 2024-08-19. Review status: criteria provided, single submitter. Criteria: ACMG Guidelines, 2015. Collection method: clinical testing. Allele origin: germline.

Women's Health and Genetics/Laboratory Corporation of America, LabCorp
Classification: Likely benign. Last evaluated: 2022-07-13. Review status: criteria provided, single submitter. Criteria: LabCorp Variant Classification Summary - May 2015. Collection method: clinical testing. Allele origin: germline.
Comment: Variant summary: RP2 c.1001C>A (p.Ser334Tyr) results in a non-conservative amino acid change located in the tubulin binding cofactor C-like domain (IPR012945) of the encoded protein sequence. Three of five in-silico tools predict a damaging effect of the variant on protein function. The variant allele was found at a frequency of 0.00035 in 181826 control chromosomes, predominantly at a frequency of 0.0074 within the Ashkenazi Jewish subpopulation in the gnomAD database, including 22 hemizygotes. The observed variant frequency within Ashkenazi Jewish control individuals in the gnomAD database is approximately 3-fold of the estimated maximal expected allele frequency for a pathogenic variant in RP2 causing X-linked Retinitis Pigmentosa (0.0074 vs 0.0022), strongly suggesting that the variant is a benign polymorphism found primarily in populations of Ashkenazi Jewish origin. To our knowledge, no occurrence of c.1001C>A in individuals affected with X-linked Retinitis Pigmentosa and no experimental evidence demonstrating its impact on protein function have been reported. One clinical diagnostic laboratory has submitted a clinical-significance assessment for this variant to ClinVar after 2014 without evidence for independent evaluation and classified the variant as benign. Based on the evidence outlined above, the variant was classified as likely benign.

Fulgent Genetics
Classification: Likely benign for Retinitis pigmentosa 2. Last evaluated: 2022-04-28. Review status: criteria provided, single submitter. Criteria: ACMG Guidelines, 2015. Collection method: clinical testing. Allele origin: unknown.

Department of Pathology and Laboratory Medicine, Sinai Health System
Classification: Likely benign for Retinitis pigmentosa 2. Last evaluated: 2022-01-28. Review status: criteria provided, single submitter. Criteria: ACMG Guidelines, 2015. Collection method: research. Allele origin: germline.

NM_006915.3(RP2):c.1001C>A (p.Ser334Tyr)

Gene: RP2 (RP2 activator of ARL3 GTPase; plus strand). Cytogenetic location: Xp11.3.
Variant type: single nucleotide variant.
Coding change: c.1001C>A on transcript NM_006915.3 (MANE Select); coding-DNA position 1001, C replaced by A.
Protein change: p.Ser334Tyr; replaces serine 334 with tyrosine.
Molecular consequence: missense variant.
Genome position (GRCh38, 1-based): chrX:46,879,717, C>A. VCF-style: chrX-46879717-C-A. GRCh37 (hg19) VCF-style: chrX-46739152-C-A.
Other names: short protein forms S334Y.
Identifiers: ClinVar variation 764245 (VCV000764245.13), dbSNP rs139796627, ClinGen allele CA10394291.
Genomic context (GRCh38, chrX:46,879,717, plus strand): 5'-TTTTTTTTTTAATTTTCTATTTAAAATAGATGTTTGTATCTGAAAGCAAGGAGACGGCAT[C>A]TGGAGATGTAGACAGCTTCTACAACTTTGCTGATATACAGATGGGAATATGAAGTGCAAT-3'
Protein context (NP_008846.2, residues 324-344): MFVSESKETA[Ser334Tyr]GDVDSFYNFA